The following is an entry in ClinVar:

NM_007186.6(CEP250):c.4388_4389del (p.Leu1463fs)

Gene: CEP250 (centrosomal protein 250; plus strand). Cytogenetic location: 20q11.22.
Variant type: Deletion.
Coding change: c.4388_4389del on transcript NM_007186.6 (MANE Select); coding-DNA positions 4388 to 4389, 2 bases deleted (TG; older notation c.4388_4389delTG).
Protein change: p.Leu1463fs; shifts the reading frame from leucine 1463.
Molecular consequence: frameshift variant.
Genome position (GRCh38, 1-based): chr20:35,502,757-35,502,758, TG deleted. VCF-style (leftmost placement, unchanged base first): chr20-35502756-CTG-C. GRCh37 (hg19) VCF-style: chr20-34090584-CTG-C.
Other names: c.2492_2493del, p.Leu831fs (NM_001318219.1); short protein forms L831fs, L1463fs.
Identifiers: ClinVar variation 944017 (VCV000944017.7), dbSNP rs2064048389, ClinGen allele CA1139666692.

ClinVar aggregate classification (germline): Pathogenic (1 of 4 stars; one submission).

Submission:

Labcorp Genetics (formerly Invitae), Labcorp
Classification: Pathogenic. Last evaluated: 2022-01-13. Review status: criteria provided, single submitter. Criteria: Invitae Variant Classification Sherloc (09022015). Collection method: clinical testing. Allele origin: germline.
Comment: For these reasons, this variant has been classified as Pathogenic. ClinVar contains an entry for this variant (Variation ID: 944017). This variant has not been reported in the literature in individuals affected with CEP250-related conditions. This variant is not present in population databases (gnomAD no frequency). This sequence change creates a premature translational stop signal (p.Leu1463Argfs*23) in the CEP250 gene. It is expected to result in an absent or disrupted protein product. Loss-of-function variants in CEP250 are known to be pathogenic (PMID: 24780881, 29718797).

Literature cited by the submitters: PubMed 24780881; PubMed 29718797.